The following is an entry in ClinVar:

ClinVar aggregate classification (germline): Uncertain significance (1 of 4 stars; one submission).

Conditions:
Hyperekplexia 3 (HKPX3). Also called: HYPEREKPLEXIA 3, AUTOSOMAL RECESSIVE; HYPEREKPLEXIA 3, AUTOSOMAL DOMINANT. Identifiers: Orphanet 3197, MedGen C3553288, MONDO:0013827, OMIM 614618.

Allele frequency attached by ClinVar (database versions not stated): gnomAD exomes 0.00002 and 0.00004; ExAC 0.00003; gnomAD 0.00005; 1000 Genomes Project 30x 0.00031.
gnomAD v4.1: 34 of 1,613,634 alleles (0.0021%); highest among the groups gnomAD compares: African/African-American, 0.012%; no homozygotes.

Submission:

Labcorp Genetics (formerly Invitae), Labcorp
Classification: Uncertain significance for Hyperekplexia 3. Last evaluated: 2022-09-13. Review status: criteria provided, single submitter. Criteria: Invitae Variant Classification Sherloc (09022015). Collection method: clinical testing. Allele origin: germline.
Comment: In summary, the available evidence is currently insufficient to determine the role of this variant in disease. Therefore, it has been classified as a Variant of Uncertain Significance. Advanced modeling of protein sequence and biophysical properties (such as structural, functional, and spatial information, amino acid conservation, physicochemical variation, residue mobility, and thermodynamic stability) performed at Invitae indicates that this missense variant is not expected to disrupt SLC6A5 protein function. ClinVar contains an entry for this variant (Variation ID: 1423199). This variant has not been reported in the literature in individuals affected with SLC6A5-related conditions. This variant is present in population databases (rs755102755, gnomAD 0.01%). This sequence change replaces arginine, which is basic and polar, with cysteine, which is neutral and slightly polar, at codon 599 of the SLC6A5 protein (p.Arg599Cys).

NM_004211.5(SLC6A5):c.1795C>T (p.Arg599Cys)

Gene: SLC6A5 (solute carrier family 6 member 5; plus strand). Cytogenetic location: 11p15.1.
Variant type: single nucleotide variant.
Coding change: c.1795C>T on transcript NM_004211.5 (MANE Select); coding-DNA position 1795, C replaced by T.
Protein change: p.Arg599Cys; replaces arginine 599 with cysteine.
Molecular consequence: missense variant.
Genome position (GRCh38, 1-based): chr11:20,637,229, C>T. VCF-style: chr11-20637229-C-T. GRCh37 (hg19) VCF-style: chr11-20658775-C-T.
Other names: c.1093C>T, p.Arg365Cys (NM_001318369.2); short protein forms R365C, R599C.
Identifiers: ClinVar variation 1423199 (VCV001423199.4), dbSNP rs755102755, ClinGen allele CA5921578.